The following is an entry in ClinVar:

ClinVar aggregate classification (germline): Conflicting classifications of pathogenicity. Review status: criteria provided, conflicting classifications (1 of 4 stars). 9 submissions from 9 submitters: Uncertain significance (5); Likely benign (2). 2 of the submissions do not count toward it. Last evaluated 2025-10-29.

Conditions:
Hereditary breast ovarian cancer syndrome. Also called: Hereditary breast and ovarian cancer syndrome; Hereditary breast and ovarian cancer; Hereditary breast and ovarian cancer syndrome (HBOC); Breast and ovarian cancer; Hereditary breast and/or ovarian cancer syndrome; BRCA1- and BRCA2-Associated Hereditary Breast and Ovarian Cancer. Identifiers: Orphanet 145, MedGen C0677776, MeSH D061325, MONDO:0003582. Disease mechanism: loss of function.
Hereditary cancer-predisposing syndrome. Also called: Neoplastic Syndromes, Hereditary; Tumor predisposition; Hereditary neoplastic syndrome; Hereditary Cancer Syndrome. Identifiers: Orphanet 140162, MedGen C0027672, MeSH D009386, MONDO:0015356.
Breast-ovarian cancer, familial, susceptibility to, 2 (BROVCA2). Also called: BRCA2 Hereditary Breast and Ovarian Cancer. Identifiers: Orphanet 145, MedGen C2675520, MONDO:0012933, OMIM 612555. Disease mechanism: loss of function.

Allele frequency attached by ClinVar (database versions not stated): gnomAD exomes below 0.00001; gnomAD 0.00001; TOPMed 0.00001.
gnomAD v4.1: 4 of 1,613,762 alleles (0.00025%); highest among the groups gnomAD compares: Non-Finnish European, 0.00034%; no homozygotes.

Submissions (9):

Labcorp Genetics (formerly Invitae), Labcorp
Classification: Uncertain significance for Hereditary breast ovarian cancer syndrome. Last evaluated: 2025-10-29. Review status: criteria provided, single submitter. Criteria: Invitae Variant Classification Sherloc (09022015). Collection method: clinical testing. Allele origin: germline.
Comment: This sequence change replaces lysine, which is basic and polar, with glutamic acid, which is acidic and polar, at codon 2013 of the BRCA2 protein (p.Lys2013Glu). This variant is present in population databases (rs80358840, gnomAD 0.0009%). This missense change has been observed in individual(s) with breast cancer (PMID: 19491284). ClinVar contains an entry for this variant (Variation ID: 51995). Invitae Evidence Modeling of protein sequence and biophysical properties (such as structural, functional, and spatial information, amino acid conservation, physicochemical variation, residue mobility, and thermodynamic stability) indicates that this missense variant is not expected to disrupt BRCA2 protein function with a negative predictive value of 95%. In summary, the available evidence is currently insufficient to determine the role of this variant in disease. Therefore, it has been classified as a Variant of Uncertain Significance.

Women's Health and Genetics/Laboratory Corporation of America, LabCorp
Classification: Uncertain significance. Last evaluated: 2025-09-02. Review status: criteria provided, single submitter. Criteria: LabCorp Variant Classification Summary - May 2015. Collection method: clinical testing. Allele origin: germline.
Comment: Variant summary: BRCA2 c.6037A>G (p.Lys2013Glu) results in a conservative amino acid change in the encoded protein sequence. Algorithms developed to predict the effect of missense changes on protein structure and function all suggest that this variant is likely to be tolerated. The variant allele was found at a frequency of 4e-06 in 250808 control chromosomes. The available data on variant occurrences in the general population are insufficient to allow any conclusion about variant significance. c.6037A>G has been observed in individual(s) affected with Hereditary Breast And Ovarian Cancer Syndrome (Haffy_2009, Santonocito_2020, Corso_2024, Patruno_2021). These report(s) do not provide unequivocal conclusions about association of the variant with Hereditary Breast And Ovarian Cancer Syndrome. To our knowledge, no experimental evidence demonstrating an impact on protein function has been reported. The following publications have been ascertained in the context of this evaluation (PMID: 19491284, 32438681, 38652475, 34572941). ClinVar contains an entry for this variant (Variation ID: 51995). Based on the evidence outlined above, the variant was classified as uncertain significance.

Quest Diagnostics Nichols Institute San Juan Capistrano
Classification: Uncertain significance. Last evaluated: 2024-02-20. Review status: criteria provided, single submitter. Criteria: Quest Diagnostics criteria. Collection method: clinical testing. Allele origin: unknown.
Comment: The BRCA2 c.6037A>G (p.Lys2013Glu) variant has been reported in the published literature in individuals affected with breast cancer (PMIDs: 32438681 (2020), 19491284 (2009)). In addition, this variant has been reported to be located in a region of the BRCA2 gene that is tolerant to missense sequence changes (PMID: 31911673 (2020)). The frequency of this variant in the general population, 0.0000088 (1/113394 chromosomes (Genome Aggregation Database)), is uninformative in the assessment of its pathogenicity. Analysis of this variant using bioinformatics tools for the prediction of the effect of amino acid changes on protein structure and function yielded predictions that this variant is benign. Based on the available information, we are unable to determine the clinical significance of this variant.

All of Us Research Program, National Institutes of Health
Classification: Uncertain significance for Breast-ovarian cancer, familial, susceptibility to, 2. Last evaluated: 2023-11-30. Review status: criteria provided, single submitter. Criteria: ACMG Guidelines, 2015. Collection method: clinical testing. Allele origin: germline. Inheritance: Autosomal dominant inheritance. Observed: 3 variant alleles, 3 heterozygotes.
Comment: This missense variant replaces lysine with glutamic acid at codon 2013 of the BRCA2 protein. Computational prediction suggests that this variant may not impact protein structure and function (internally defined REVEL score threshold <= 0.5, PMID: 27666373). To our knowledge, functional studies have not been reported for this variant. This variant has been reported in two individuals affected with breast or ovarian cancer (PMID: 19491284, 32438681). This variant has been identified in 1/250808 chromosomes in the general population by the Genome Aggregation Database (gnomAD). The available evidence is insufficient to determine the role of this variant in disease conclusively. Therefore, this variant is classified as a Variant of Uncertain Significance.

This study involves interpretation of variants in research participants for the purpose of population health screening. Participant phenotype was not available at the time of variant classification. Additional details can be found in publication PMID: 35346344, PMCID: PMC8962531

University of Washington Department of Laboratory Medicine, University of Washington
Classification: Likely benign for Hereditary cancer-predisposing syndrome. Last evaluated: 2023-03-23. Review status: criteria provided, single submitter. Criteria: Dines et al. (Genet Med. 2020). Collection method: curation. Allele origin: germline.
Comment: Missense variant in a coldspot region where missense variants are very unlikely to be pathogenic (PMID:31911673).

BRCA2 exon 11 coldspot. Reclassification based on statistical prior probability.

Ambry Genetics
Classification: Likely benign for Hereditary cancer-predisposing syndrome. Last evaluated: 2021-12-02. Review status: criteria provided, single submitter. Criteria: Ambry Variant Classification Scheme 2023. Collection method: clinical testing. Allele origin: germline.

Color Diagnostics, LLC DBA Color Health
Classification: Uncertain significance for Hereditary cancer-predisposing syndrome. Last evaluated: 2021-09-18. Review status: criteria provided, single submitter. Criteria: ACMG Guidelines, 2015. Collection method: clinical testing. Allele origin: germline.
Comment: This missense variant replaces lysine with glutamic acid at codon 2013 of the BRCA2 protein. Computational prediction suggests that this variant may not impact protein structure and function (internally defined REVEL score threshold <= 0.5, PMID: 27666373). To our knowledge, functional studies have not been reported for this variant. This variant has been reported in two individuals affected with breast or ovarian cancer (PMID: 19491284, 32438681). This variant has been identified in 1/250808 chromosomes in the general population by the Genome Aggregation Database (gnomAD). The available evidence is insufficient to determine the role of this variant in disease conclusively. Therefore, this variant is classified as a Variant of Uncertain Significance.

Sharing Clinical Reports Project (SCRP)
Classification: Uncertain significance for Breast-ovarian cancer, familial 2. Last evaluated: 2011-10-21. Review status: no assertion criteria provided. Collection method: clinical testing. Allele origin: germline. Not counted in ClinVar's aggregate classification.

Breast Cancer Information Core (BIC) (BRCA2)
Classification: Uncertain significance for Breast-ovarian cancer, familial 2. Review status: no assertion criteria provided. Collection method: clinical testing. Allele origin: germline. Affected: yes. Observed: 1 variant allele. Not counted in ClinVar's aggregate classification.

Literature cited by the submitters: PubMed 19491284 (cited by 6 submitters); PubMed 32438681 (cited by 5 submitters); PubMed 34572941 (cited by Women's Health and Genetics/Laboratory Corporation of America, LabCorp); PubMed 38652475 (cited by Women's Health and Genetics/Laboratory Corporation of America, LabCorp); PubMed 31911673 (cited by Quest Diagnostics Nichols Institute San Juan Capistrano); PubMed 31853058 (cited by Quest Diagnostics Nichols Institute San Juan Capistrano); PubMed 34707284 (cited by Quest Diagnostics Nichols Institute San Juan Capistrano).

NM_000059.4(BRCA2):c.6037A>G (p.Lys2013Glu)

Gene: BRCA2 (BRCA2 DNA repair associated; plus strand). Cytogenetic location: 13q13.1.
Variant type: single nucleotide variant.
Coding change: c.6037A>G on transcript NM_000059.4 (MANE Select); coding-DNA position 6037, A replaced by G.
Protein change: p.Lys2013Glu; replaces lysine 2013 with glutamic acid.
Molecular consequence: missense variant.
Genome position (GRCh38, 1-based): chr13:32,340,392, A>G. VCF-style: chr13-32340392-A-G. GRCh37 (hg19) VCF-style: chr13-32914529-A-G.
Other names: 6265A>G; short protein forms K2013E.
Identifiers: ClinVar variation 51995 (VCV000051995.24), dbSNP rs80358840, ClinGen allele CA023559.
Genomic context (GRCh38, chr13:32,340,392, plus strand): 5'-TTACAAAACGCAAGACAAGTGTTTTCTGAAATAGAAGATAGTACCAAGCAAGTCTTTTCC[A>G]AAGTATTGTTTAAAAGTAACGAACATTCAGACCAGCTCACAAGAGAAGAAAATACTGCTA-3'
Protein context (NP_000050.3, residues 2003-2023): IEDSTKQVFS[Lys2013Glu]VLFKSNEHSD